The following is an entry in ClinVar:

ClinVar aggregate classification (germline): Conflicting classifications of pathogenicity. Review status: criteria provided, conflicting classifications (1 of 4 stars). 6 submissions from 6 submitters: Uncertain significance (4); Benign (1); Likely benign (1). Last evaluated 2026-05-08.

Conditions:
ADGRV1-related disorder. Also called: ADGRV1-related condition; ADGRV1-related disorders.
Inborn genetic diseases. Identifiers: MedGen C0950123, MeSH D030342.
Usher syndrome type 2C. Also called: Usher syndrome, type 2B; USHER SYNDROME, TYPE IIC. Identifiers: Orphanet 231178, Orphanet 886, MedGen C2931213, MONDO:0011558, OMIM 605472.

Allele frequency attached by ClinVar (database versions not stated): gnomAD exomes 0.00003 and 0.00006; TOPMed 0.00022; gnomAD 0.00024 and 0.00027; ExAC 0.00026; ESP Exome Variant Server 0.00034.
gnomAD v4.1: 72 of 1,495,854 alleles (0.0048%); highest among the groups gnomAD compares: African/African-American, 0.098%; no homozygotes.

Submissions (6):

PreventionGenetics, part of Exact Sciences
Classification: Uncertain significance for ADGRV1-related condition. Last evaluated: 2026-05-08. Review status: criteria provided, single submitter. Criteria: ACMG Guidelines, 2015. Collection method: clinical testing. Allele origin: germline.
Comment: The ADGRV1 c.14005T>C variant is predicted to result in the amino acid substitution p.Phe4669Leu. To our knowledge, this variant has not been reported in the literature. This variant is reported in 0.10% of alleles in individuals of African descent in gnomAD, which may be too common to be an unreported cause of disease. Although we suspect that this variant may be benign, at this time, the clinical significance of this variant is uncertain due to the absence of conclusive functional and genetic evidence.

Labcorp Genetics (formerly Invitae), Labcorp
Classification: Benign. Last evaluated: 2026-01-11. Review status: criteria provided, single submitter. Criteria: Invitae Variant Classification Sherloc (09022015). Collection method: clinical testing. Allele origin: germline.

Blueprint Genetics
Classification: Likely benign. Last evaluated: 2021-10-26. Review status: criteria provided, single submitter. Criteria: ACMG Guidelines, 2015. Collection method: clinical testing. Allele origin: germline.

Ambry Genetics
Classification: Uncertain significance for Inborn genetic diseases. Last evaluated: 2021-08-10. Review status: criteria provided, single submitter. Criteria: Ambry Variant Classification Scheme 2023. Collection method: clinical testing. Allele origin: germline.

Illumina Laboratory Services, Illumina
Classification: Uncertain significance for Usher syndrome type 2C. Last evaluated: 2018-01-13. Review status: criteria provided, single submitter. Criteria: ICSL Variant Classification Criteria 13 December 2019. Collection method: clinical testing. Allele origin: germline.

Eurofins Ntd Llc (ga)
Classification: Uncertain significance. Last evaluated: 2014-05-27. Review status: criteria provided, single submitter. Criteria: EGL Classification Definitions 2015. Collection method: clinical testing. Allele origin: germline. Observed: 1 variant allele, 1 heterozygote.

NM_032119.4(ADGRV1):c.14005T>C (p.Phe4669Leu)

Gene: ADGRV1 (adhesion G protein-coupled receptor V1; plus strand). Cytogenetic location: 5q14.3.
Variant type: single nucleotide variant.
Coding change: c.14005T>C on transcript NM_032119.4 (MANE Select); coding-DNA position 14005, T replaced by C.
Protein change: p.Phe4669Leu; replaces phenylalanine 4669 with leucine.
Molecular consequence: missense variant. On other transcripts: non-coding transcript variant (1).
Genome position (GRCh38, 1-based): chr5:90,789,813, T>C. VCF-style: chr5-90789813-T-C. GRCh37 (hg19) VCF-style: chr5-90085630-T-C.
Other names: short protein forms F4669L.
Identifiers: ClinVar variation 198377 (VCV000198377.22), dbSNP rs199792315, ClinGen allele CA246998.